The following is an entry in ClinVar:

ClinVar aggregate classification (germline): Conflicting classifications of pathogenicity. Review status: criteria provided, conflicting classifications (1 of 4 stars). 4 submissions from 4 submitters: Uncertain significance (1); Likely benign (3). Last evaluated 2025-11-03.

Conditions:
Hypercholesterolemia, autosomal dominant, 3 (FHCL3). Also called: PCSK9-Related Familial Hypercholesterolemia, Autosomal Dominant; Familial hypercholesterolemia 3; Familial Hypercholesterolemia, Autosomal Dominant, 3. Identifiers: MedGen C1863551, MONDO:0011369, OMIM 603776.
Cardiovascular phenotype. Identifiers: MedGen CN230736.
Familial hypercholesterolemia. Also called: Familial hypercholesterolaemia; Familial hypercholesterolemias. Identifiers: MedGen C0020445, MONDO:0005439.

Allele frequency attached by ClinVar (database versions not stated): gnomAD exomes below 0.00001 and 0.00002; ExAC 0.00001; gnomAD 0.00001; TOPMed 0.00002.
gnomAD v4.1: 8 of 1,612,708 alleles (0.0005%); highest among the groups gnomAD compares: African/African-American, 0.0053%; no homozygotes.

Submissions (4):

Labcorp Genetics (formerly Invitae), Labcorp
Classification: Uncertain significance for Hypercholesterolemia, autosomal dominant, 3. Last evaluated: 2025-11-03. Review status: criteria provided, single submitter. Criteria: Invitae Variant Classification Sherloc (09022015). Collection method: clinical testing. Allele origin: germline.
Comment: This sequence change replaces arginine, which is basic and polar, with glutamine, which is neutral and polar, at codon 682 of the PCSK9 protein (p.Arg682Gln). This variant is present in population databases (rs758946245, gnomAD 0.01%). This missense change has been observed in individual(s) with hypercholesterolemia (PMID: 31491741). ClinVar contains an entry for this variant (Variation ID: 927117). Invitae Evidence Modeling of protein sequence and biophysical properties (such as structural, functional, and spatial information, amino acid conservation, physicochemical variation, residue mobility, and thermodynamic stability) indicates that this missense variant is not expected to disrupt PCSK9 protein function with a negative predictive value of 95%. In summary, the available evidence is currently insufficient to determine the role of this variant in disease. Therefore, it has been classified as a Variant of Uncertain Significance.

Color Diagnostics, LLC DBA Color Health
Classification: Likely benign for Familial hypercholesterolemia. Last evaluated: 2024-09-05. Review status: criteria provided, single submitter. Criteria: ACMG Guidelines, 2015. Collection method: clinical testing. Allele origin: germline.

Ambry Genetics
Classification: Likely benign for Cardiovascular phenotype. Last evaluated: 2024-03-28. Review status: criteria provided, single submitter. Criteria: Ambry Variant Classification Scheme 2023. Collection method: clinical testing. Allele origin: germline.

All of Us Research Program, National Institutes of Health
Classification: Likely benign for Hypercholesterolemia, autosomal dominant, 3. Last evaluated: 2024-02-05. Review status: criteria provided, single submitter. Criteria: ACMG Guidelines, 2015. Collection method: clinical testing. Allele origin: germline. Inheritance: Autosomal dominant inheritance. Observed: 4 variant alleles, 4 heterozygotes.
Comment: This study involves interpretation of variants in research participants for the purpose of population health screening. Participant phenotype was not available at the time of variant classification. Additional details can be found in publication PMID: 35346344, PMCID: PMC8962531

Literature cited by the submitters: PubMed 31491741 (cited by Labcorp Genetics (formerly Invitae), Labcorp and Ambry Genetics).

NM_174936.4(PCSK9):c.2045G>A (p.Arg682Gln)

Gene: PCSK9 (proprotein convertase subtilisin/kexin type 9; plus strand). Cytogenetic location: 1p32.3.
Variant type: single nucleotide variant.
Coding change: c.2045G>A on transcript NM_174936.4 (MANE Select); coding-DNA position 2045, G replaced by A.
Protein change: p.Arg682Gln; replaces arginine 682 with glutamine.
Molecular consequence: missense variant.
Genome position (GRCh38, 1-based): chr1:55,063,550, G>A. VCF-style: chr1-55063550-G-A. GRCh37 (hg19) VCF-style: chr1-55529223-G-A.
Other names: c.2168G>A, p.Arg723Gln (NM_001407240.1); c.2087G>A, p.Arg696Gln (NM_001407241.1); c.2048G>A, p.Arg683Gln (NM_001407242.1); c.1988G>A, p.Arg663Gln (NM_001407243.1); c.1871G>A, p.Arg624Gln (NM_001407244.1); c.1853G>A, p.Arg618Gln (NM_001407245.1); c.1670G>A, p.Arg557Gln (NM_001407246.1); c.1544G>A, p.Arg515Gln (NM_001407247.1); short protein forms R682Q, R557Q, R618Q, R696Q, R723Q, R515Q, R663Q, R624Q.
Identifiers: ClinVar variation 927117 (VCV000927117.8), dbSNP rs758946245, ClinGen allele CA040477.